The following is an entry in ClinVar:

ClinVar aggregate classification (germline): Uncertain significance (1 of 4 stars; one submission).

Submission:

Dasa
Classification: Uncertain significance. Last evaluated: 2025-09-18. Review status: criteria provided, single submitter. Criteria: DASA Assertion Criteria. Collection method: clinical testing. Allele origin: germline.
Comment: NM_018486.3(HDAC8):c.306_311delinsGCCAGT (p.Cys102_Ala104delinsTrpProVal) is an in-frame insertion/deletion-insertion predicted to alter the protein sequence without shifting the reading frame. This variant is absent from population databases. The currently available literature and clinical evidence are not sufficient to establish a definitive association between this variant and the reported condition. Therefore, this variant is classified as a variant of uncertain significance.

NM_018486.3(HDAC8):c.306_311delinsGCCAGT (p.Cys102_Ala104delinsTrpProVal)

Gene: HDAC8 (histone deacetylase 8; minus strand). Cytogenetic location: Xq13.1.
Variant type: Indel.
Coding change: c.306_311delinsGCCAGT on transcript NM_018486.3 (MANE Select); coding-DNA positions 306 to 311, CCCAGC replaced by GCCAGT.
Protein change: p.Cys102_Ala104delinsTrpProVal.
Molecular consequence: missense variant. On other transcripts: non-coding transcript variant (4), intron variant (3).
Genome position (GRCh38, 1-based): chrX:72,568,015-72,568,020, GCTGGG replaced by ACTGGC on the plus strand (CCCAGC replaced by GCCAGT on the coding strand, the reverse complement: HDAC8 is on the minus strand). VCF-style: chrX-72568015-GCTGGG-ACTGGC. GRCh37 (hg19) VCF-style: chrX-71787865-GCTGGG-ACTGGC.
Other names: c.306_311delinsGCCAGT, p.Cys102_Ala104delinsTrpProVal (NM_001166419.2, NM_001166420.2, NM_001166422.2 and 5 more transcripts); c.164+4037_164+4042delinsGCCAGT (NM_001166418.2, NM_001410728.1, NM_001166448.2).
Identifiers: ClinVar variation 4884112 (VCV004884112.2).